The following is an entry in ClinVar:

NM_194248.3(OTOF):c.5712+6C>G

Gene: OTOF (otoferlin; minus strand). Cytogenetic location: 2p23.3.
Variant type: single nucleotide variant.
Coding change: c.5712+6C>G on transcript NM_194248.3 (MANE Select); 6 bases into the intron after coding-DNA position 5712, C replaced by G.
Molecular consequence: intron variant.
Genome position (GRCh38, 1-based): chr2:26,460,846, G>C on the plus strand (C>G on the coding strand, the complement: OTOF is on the minus strand). VCF-style: chr2-26460846-G-C. GRCh37 (hg19) VCF-style: chr2-26683714-G-C.
Other names: c.5712+6C>G (NM_001287489.2); c.3411+6C>G (NM_194323.3, NM_004802.4); c.3642+6C>G (NM_194322.3).
Identifiers: ClinVar variation 48267 (VCV000048267.10), dbSNP rs200435099, ClinGen allele CA142946.

ClinVar aggregate classification (germline): Conflicting classifications of pathogenicity. Review status: criteria provided, conflicting classifications (1 of 4 stars). 2 submissions from 2 submitters: Uncertain significance (1); Likely benign (1). Last evaluated 2024-10-16.

Allele frequency attached by ClinVar (database versions not stated): gnomAD 0.00001; TOPMed 0.00003.
gnomAD v4.1: 133 of 1,613,942 alleles (0.0082%); highest among the groups gnomAD compares: Non-Finnish European, 0.011%; no homozygotes.

Submissions (2):

Labcorp Genetics (formerly Invitae), Labcorp
Classification: Uncertain significance. Last evaluated: 2024-10-16. Review status: criteria provided, single submitter. Criteria: Invitae Variant Classification Sherloc (09022015). Collection method: clinical testing. Allele origin: germline.
Comment: This sequence change falls in intron 44 of the OTOF gene. It does not directly change the encoded amino acid sequence of the OTOF protein. It affects a nucleotide within the consensus splice site. This variant is present in population databases (rs200435099, gnomAD 0.002%). This variant has not been reported in the literature in individuals affected with OTOF-related conditions. ClinVar contains an entry for this variant (Variation ID: 48267). Variants that disrupt the consensus splice site are a relatively common cause of aberrant splicing (PMID: 17576681, 9536098). Algorithms developed to predict the effect of sequence changes on RNA splicing suggest that this variant is not likely to affect RNA splicing. In summary, the available evidence is currently insufficient to determine the role of this variant in disease. Therefore, it has been classified as a Variant of Uncertain Significance.

Laboratory for Molecular Medicine, Mass General Brigham Personalized Medicine
Classification: Likely benign. Last evaluated: 2012-11-29. Review status: criteria provided, single submitter. Criteria: LMM Criteria. Collection method: clinical testing. Allele origin: germline. Observed: 1 variant allele.
Comment: 5712+6C>G in OTOF: This variant is not expected to have clinical significance be cause 5 splice assessment tools do not suggest an impact to splicing.

Literature cited by the submitters: PubMed 17576681 (cited by Labcorp Genetics (formerly Invitae), Labcorp); PubMed 9536098 (cited by Labcorp Genetics (formerly Invitae), Labcorp).